The following is an entry in ClinVar:

NM_004370.6(COL12A1):c.8179-17T>G

Gene: COL12A1 (collagen type XII alpha 1 chain; minus strand). Cytogenetic location: 6q13.
Variant type: single nucleotide variant.
Coding change: c.8179-17T>G on transcript NM_004370.6 (MANE Select); 17 bases into the intron before coding-DNA position 8179, T replaced by G.
Molecular consequence: intron variant.
Genome position (GRCh38, 1-based): chr6:75,105,309, A>C on the plus strand (T>G on the coding strand, the complement: COL12A1 is on the minus strand). VCF-style: chr6-75105309-A-C. GRCh37 (hg19) VCF-style: chr6-75815025-A-C.
Other names: c.4687-17T>G (NM_001424116.1, NM_080645.3); c.7906-17T>G (NM_001424115.1); c.8158-17T>G (NM_001424114.1); c.8179-17T>G (NM_001424113.1).
Identifiers: ClinVar variation 2939102 (VCV002939102.3), dbSNP rs2533120177, ClinGen allele CA2740091434.

ClinVar aggregate classification (germline): Uncertain significance (1 of 4 stars; one submission).

Conditions:
Ullrich congenital muscular dystrophy 2 (UCMD2). Identifiers: Orphanet 75840, MedGen C4225314, MONDO:0014654, OMIM 616470.
Bethlem myopathy 2 (BTHLM2). Identifiers: Orphanet 536516, Orphanet 610, MedGen C4225313, MONDO:0034022, OMIM 616471.

Submission:

Labcorp Genetics (formerly Invitae), Labcorp
Classification: Uncertain significance for Bethlem myopathy 2; Ullrich congenital muscular dystrophy 2. Last evaluated: 2025-07-20. Review status: criteria provided, single submitter. Criteria: Invitae Variant Classification Sherloc (09022015). Collection method: clinical testing. Allele origin: germline.
Comment: This sequence change falls in intron 53 of the COL12A1 gene. It does not directly change the encoded amino acid sequence of the COL12A1 protein. This variant is not present in population databases (gnomAD no frequency). This variant has not been reported in the literature in individuals affected with COL12A1-related conditions. ClinVar contains an entry for this variant (Variation ID: 2939102). Algorithms developed to predict the effect of sequence changes on RNA splicing suggest that this variant may disrupt the consensus splice site. In summary, the available evidence is currently insufficient to determine the role of this variant in disease. Therefore, it has been classified as a Variant of Uncertain Significance.